The following is an entry in ClinVar:

ClinVar aggregate classification (germline): Uncertain significance (1 of 4 stars; one submission).

Submission:

Labcorp Genetics (formerly Invitae), Labcorp
Classification: Uncertain significance. Last evaluated: 2022-06-28. Review status: criteria provided, single submitter. Criteria: Invitae Variant Classification Sherloc (09022015). Collection method: clinical testing. Allele origin: germline.
Comment: This variant is not present in population databases (gnomAD no frequency). This variant has not been reported in the literature in individuals affected with A2ML1-related conditions. This sequence change creates a premature translational stop signal (p.Gln841*) in the A2ML1 gene. It is expected to result in an absent or disrupted protein product. However, the current clinical and genetic evidence is not sufficient to establish whether loss-of-function variants in A2ML1 cause disease. In summary, the available evidence is currently insufficient to determine the role of this variant in disease. Therefore, it has been classified as a Variant of Uncertain Significance.

NM_144670.6(A2ML1):c.2521C>T (p.Gln841Ter)

Gene: A2ML1 (alpha-2-macroglobulin like 1; plus strand). Cytogenetic location: 12p13.31.
Variant type: single nucleotide variant.
Coding change: c.2521C>T on transcript NM_144670.6 (MANE Select); coding-DNA position 2521, C replaced by T.
Protein change: p.Gln841Ter; replaces glutamine 841 with a stop codon.
Molecular consequence: nonsense.
Genome position (GRCh38, 1-based): chr12:8,852,267, C>T. VCF-style: chr12-8852267-C-T. GRCh37 (hg19) VCF-style: chr12-9004863-C-T.
Other names: c.1048C>T, p.Gln350Ter (NM_001282424.3); short protein forms Q350*, Q841*.
Identifiers: ClinVar variation 1434590 (VCV001434590.6), dbSNP rs2136881581, ClinGen allele CA383833669.